The following is an entry in ClinVar:

NM_000292.3(PHKA2):c.3458C>T (p.Thr1153Met)

Genes: PHKA2 (phosphorylase kinase regulatory subunit alpha 2; minus strand), PHKA2-AS1 (PHKA2 antisense RNA 1; plus strand). Cytogenetic location: Xp22.13.
Variant type: single nucleotide variant.
Coding change: c.3458C>T on transcript NM_000292.3 (MANE Select); coding-DNA position 3458, C replaced by T.
Protein change: p.Thr1153Met; replaces threonine 1153 with methionine.
Molecular consequence: missense variant. On other transcripts: non-coding transcript variant (1).
Genome position (GRCh38, 1-based): chrX:18,894,283, G>A on the plus strand (C>T on the coding strand, the complement: PHKA2 is on the minus strand). VCF-style: chrX-18894283-G-A. GRCh37 (hg19) VCF-style: chrX-18912401-G-A.
Other names: c.3458C>T (NM_000292.2); short protein forms T1153M.
Identifiers: ClinVar variation 2660110 (VCV002660110.24), dbSNP rs768511577, ClinGen allele CA10361299.

ClinVar aggregate classification (germline): Conflicting classifications of pathogenicity. Review status: criteria provided, conflicting classifications (1 of 4 stars). 2 submissions from 2 submitters: Uncertain significance (1); Likely benign (1). Last evaluated 2025-04-03.

Conditions:
Inborn genetic diseases. Identifiers: MedGen C0950123, MeSH D030342.

gnomAD v4.1: 14 of 1,209,693 alleles (0.0012%); highest among the groups gnomAD compares: Admixed American, 0.0065%; no homozygotes.

Submissions (2):

Ambry Genetics
Classification: Uncertain significance for Inborn genetic diseases. Last evaluated: 2025-04-03. Review status: criteria provided, single submitter. Criteria: Ambry Variant Classification Scheme 2023. Collection method: clinical testing. Allele origin: germline.

CeGaT Center for Human Genetics Tuebingen
Classification: Likely benign. Last evaluated: 2022-11-01. Review status: criteria provided, single submitter. Criteria: CeGaT Center For Human Genetics Tuebingen Variant Classification Criteria Version 2. Collection method: clinical testing. Allele origin: germline. Affected: yes. Observed: 1 variant allele.
Comment: PHKA2: BP4